The following is an entry in ClinVar:

NM_004336.5(BUB1):c.254T>A (p.Phe85Tyr)

Gene: BUB1 (BUB1 mitotic checkpoint serine/threonine kinase; minus strand). Cytogenetic location: 2q13.
Variant type: single nucleotide variant.
Coding change: c.254T>A on transcript NM_004336.5 (MANE Select); coding-DNA position 254, T replaced by A.
Protein change: p.Phe85Tyr; replaces phenylalanine 85 with tyrosine.
Molecular consequence: missense variant.
Genome position (GRCh38, 1-based): chr2:110,672,829, A>T on the plus strand (T>A on the coding strand, the complement: BUB1 is on the minus strand). VCF-style: chr2-110672829-A-T. GRCh37 (hg19) VCF-style: chr2-111430406-A-T.
Other names: c.194T>A, p.Phe65Tyr (NM_001278616.2); c.254T>A, p.Phe85Tyr (NM_001278617.2); short protein forms F65Y, F85Y.
Identifiers: ClinVar variation 3224052 (VCV003224052.1), dbSNP rs1341170585, ClinGen allele CA348220694.

ClinVar aggregate classification (germline): Uncertain significance (1 of 4 stars; one submission).

Allele frequency attached by ClinVar (database versions not stated): gnomAD exomes 0.00001.
gnomAD v4.1: 9 of 1,608,616 alleles (0.00056%); highest among the groups gnomAD compares: Non-Finnish European, 0.00076%; no homozygotes.

Submission:

Ambry Genetics
Classification: Uncertain significance. Last evaluated: 2023-10-19. Review status: criteria provided, single submitter. Criteria: Ambry Variant Classification Scheme 2023. Collection method: clinical testing. Allele origin: germline.
Comment: The p.F85Y variant (also known as c.254T>A), located in coding exon 4 of the BUB1 gene, results from a T to A substitution at nucleotide position 254. The phenylalanine at codon 85 is replaced by tyrosine, an amino acid with highly similar properties. This amino acid position is conserved. In addition, this alteration is predicted to be tolerated by in silico analysis. Since supporting evidence is limited at this time, the clinical significance of this alteration remains unclear.